The following is an entry in ClinVar:

ClinVar aggregate classification (germline): Uncertain significance (1 of 4 stars; one submission).

Conditions:
Bethlem myopathy 1A. Also called: Bethlem Muscular Dystrophy; MYOPATHY, BENIGN CONGENITAL, WITH CONTRACTURES; Bethlem myopathy 1. Identifiers: Orphanet 610, MedGen CN029274, MONDO:0024530, OMIM 158810.

gnomAD v4.1: 4 of 1,612,900 alleles (0.00025%); highest among the groups gnomAD compares: South Asian, 0.0033%; no homozygotes.

Submission:

Labcorp Genetics (formerly Invitae), Labcorp
Classification: Uncertain significance for Bethlem myopathy 1A. Last evaluated: 2024-01-02. Review status: criteria provided, single submitter. Criteria: Invitae Variant Classification Sherloc (09022015). Collection method: clinical testing. Allele origin: germline.
Comment: This sequence change falls in intron 24 of the COL6A2 gene. It does not directly change the encoded amino acid sequence of the COL6A2 protein. It affects a nucleotide within the consensus splice site. This variant is present in population databases (no rsID available, gnomAD 0.0009%). This variant has not been reported in the literature in individuals affected with COL6A2-related conditions. ClinVar contains an entry for this variant (Variation ID: 1023434). Variants that disrupt the consensus splice site are a relatively common cause of aberrant splicing (PMID: 17576681, 9536098). Algorithms developed to predict the effect of sequence changes on RNA splicing suggest that this variant may disrupt the consensus splice site. In summary, the available evidence is currently insufficient to determine the role of this variant in disease. Therefore, it has been classified as a Variant of Uncertain Significance.

Literature cited by the submitters: PubMed 17576681; PubMed 9536098.

NM_001849.4(COL6A2):c.1817-3C>A

Gene: COL6A2 (collagen type VI alpha 2 chain; plus strand). Cytogenetic location: 21q22.3.
Variant type: single nucleotide variant.
Coding change: c.1817-3C>A on transcript NM_001849.4 (MANE Select); 3 bases into the intron before coding-DNA position 1817, C replaced by A.
Molecular consequence: intron variant.
Genome position (GRCh38, 1-based): chr21:46,125,462, C>A. VCF-style: chr21-46125462-C-A. GRCh37 (hg19) VCF-style: chr21-47545376-C-A.
Other names: c.1817-3C>A (NM_058175.3, NM_058174.3).
Identifiers: ClinVar variation 1023434 (VCV001023434.7), dbSNP rs112645828, ClinGen allele CA410538328.